The following is an entry in ClinVar:

NM_016341.4(PLCE1):c.4301G>A (p.Arg1434Gln)

Gene: PLCE1 (phospholipase C epsilon 1; plus strand). Cytogenetic location: 10q23.33.
Variant type: single nucleotide variant.
Coding change: c.4301G>A on transcript NM_016341.4 (MANE Select); coding-DNA position 4301, G replaced by A.
Protein change: p.Arg1434Gln; replaces arginine 1434 with glutamine.
Molecular consequence: missense variant.
Genome position (GRCh38, 1-based): chr10:94,268,948, G>A. VCF-style: chr10-94268948-G-A. GRCh37 (hg19) VCF-style: chr10-96028705-G-A.
Other names: c.3377G>A, p.Arg1126Gln (NM_001165979.2); c.4253G>A, p.Arg1418Gln (NM_001288989.2); short protein forms R1126Q, R1418Q, R1434Q.
Identifiers: ClinVar variation 2683956 (VCV002683956.2), dbSNP rs2496494951, ClinGen allele CA377647534.

ClinVar aggregate classification (germline): Likely pathogenic. Review status: criteria provided, multiple submitters, no conflicts (2 of 4 stars). 2 submissions from 2 submitters: Likely pathogenic (2). Last evaluated 2025-08-26.

Conditions:
Nephrotic syndrome, type 3 (NPHS3). Also called: NEPHROTIC SYNDROME, EARLY-ONSET, TYPE 3. Identifiers: Orphanet 656, MedGen C1853124, MONDO:0012546, OMIM 610725.

Allele frequency attached by ClinVar (database versions not stated): gnomAD exomes below 0.00001.
gnomAD v4.1: 3 of 1,611,508 alleles (0.00019%); highest among the groups gnomAD compares: African/African-American, 0.0013%; no homozygotes.

Submissions (2):

3billion
Classification: Likely pathogenic for Nephrotic syndrome, type 3. Last evaluated: 2025-08-26. Review status: criteria provided, single submitter. Criteria: ACMG Guidelines, 2015. Collection method: clinical testing. Allele origin: germline. Affected: yes.
Comment: The variant is observed at an extremely low frequency in the gnomAD v4.1.0 dataset (total allele frequency: <0.001%). Predicted Consequence/Location: Missense variant. The majority of the known disease-causing variants of this gene are variants expected to result in premature termination of the protein. In silico tool predictions suggest damaging effect of the variant on gene or gene product [REVEL: 0.92 (>=0.6, sensitivity 0.68 and specificity 0.92); 3Cnet: 0.72 (> 0.75, sensitivity 0.96 and precision 0.92)]. The same nucleotide change resulting in the same amino acid change has been previously reported to be associated with PLCE1-related disorder (ClinVar ID: VCV002683956 /PMID: 28204945). The variant has been reported to be in trans with a pathogenic variant as either compound heterozygous or homozygous in at least one similarly affected unrelated individual (PMID: 28204945). A different missense change at the same codon (p.Arg1434Leu) has been reported to be associated with PLCE1-related disorder (PMID: 37204080). Therefore, this variant is classified as Likely pathogenic according to the recommendation of ACMG/AMP guideline.

MVZ Martinsried, Medicover Genetics
Classification: Likely pathogenic for Nephrotic syndrome, type 3. Last evaluated: 2023-09-07. Review status: criteria provided, single submitter. Criteria: ACGS Guidelines, 2020. Collection method: clinical testing. Allele origin: unknown. Affected: yes.

Literature cited by the submitters: PubMed 28204945 (cited by 3billion); PubMed 37204080 (cited by 3billion).